The following is an entry in ClinVar:

ClinVar aggregate classification (germline): Uncertain significance (1 of 4 stars; one submission).

Conditions:
Familial adenomatous polyposis 1 (FAP1). Also called: FAMILIAL ADENOMATOUS POLYPOSIS 1, ATTENUATED; POLYPOSIS, ADENOMATOUS INTESTINAL. Identifiers: MedGen C2713442, MONDO:0021056, OMIM 175100. Disease mechanism: loss of function.

Submission:

Labcorp Genetics (formerly Invitae), Labcorp
Classification: Uncertain significance for Familial adenomatous polyposis 1. Last evaluated: 2025-08-04. Review status: criteria provided, single submitter. Criteria: Invitae Variant Classification Sherloc (09022015). Collection method: clinical testing. Allele origin: germline.
Comment: This variant occurs in a non-coding region of the APC gene. It does not change the encoded amino acid sequence of the APC protein. This variant is not present in population databases (gnomAD no frequency). This variant has not been reported in the literature in individuals affected with APC-related conditions. ClinVar contains an entry for this variant (Variation ID: 537657). Experimental studies and prediction algorithms are not available or were not evaluated, and the functional significance of this variant is currently unknown. In summary, the available evidence is currently insufficient to determine the role of this variant in disease. Therefore, it has been classified as a Variant of Uncertain Significance.

NM_001127511.3(APC):c.-213A>G

Genes: APC (APC regulator of Wnt signaling pathway; plus strand), LOC129994371 (ATAC-STARR-seq lymphoblastoid active region 22910; plus strand). Cytogenetic location: 5q22.2.
Variant type: single nucleotide variant.
Coding change: c.-213A>G on transcript NM_001127511.3; 213 bases upstream of the start codon, A replaced by G.
Molecular consequence: 5 prime UTR variant. On other transcripts: non-coding transcript variant (2).
Genome position (GRCh38, 1-based): chr5:112,707,505, A>G. VCF-style: chr5-112707505-A-G. GRCh37 (hg19) VCF-style: chr5-112043202-A-G.
Other names: c.-396A>G (NM_001354895.2, NM_001407447.1, NM_001407452.1 and 3 more transcripts); c.-213A>G (NM_001354897.2, NM_001354902.2, NM_001407446.1); c.-163A>G (NM_001407448.1, NM_001407450.1, NM_001407457.1 and 1 more transcripts); c.-187A>G (NM_001407453.1); c.-1431A>G (NM_001407470.1, NM_001407472.1).
Identifiers: ClinVar variation 537657 (VCV000537657.7), dbSNP rs1554060181, ClinGen allele CA658796604.
Genomic context (GRCh38, chr5:112,707,505, plus strand): 5'-AACAGGCTCTAGTCTCCGGGCTGTGGGAAGCCAGCAACACCTCTCACGCATGCGCATTGT[A>G]GTCTTCCCACCTCCCACAAGATGGCGGAGGGCAAGTAGCAAGGGGGCGGGGTGTGGCCGC-3'